The following is an entry in ClinVar:

NM_203447.4(DOCK8):c.2267C>G (p.Pro756Arg)

Gene: DOCK8 (dedicator of cytokinesis 8; plus strand). Cytogenetic location: 9p24.3.
Variant type: single nucleotide variant.
Coding change: c.2267C>G on transcript NM_203447.4 (MANE Select); coding-DNA position 2267, C replaced by G.
Protein change: p.Pro756Arg; replaces proline 756 with arginine.
Molecular consequence: missense variant.
Genome position (GRCh38, 1-based): chr9:377,038, C>G. VCF-style: chr9-377038-C-G. GRCh37 (hg19) VCF-style: chr9-377038-C-G.
Other names: c.2063C>G, p.Pro688Arg (NM_001190458.2, NM_001193536.2); short protein forms P756R, P688R.
Identifiers: ClinVar variation 1367866 (VCV001367866.6), dbSNP rs1272016453, ClinGen allele CA372763149.

ClinVar aggregate classification (germline): Uncertain significance (1 of 4 stars; one submission).

Conditions:
Combined immunodeficiency due to DOCK8 deficiency (HIES2). Also called: Hyper-IgE recurrent infection syndrome, autosomal recessive; HIES autosomal recessive; DOCK8 Deficiency; HYPER-IgE RECURRENT INFECTION SYNDROME 2, AUTOSOMAL RECESSIVE; HYPER-IgE SYNDROME 2, AUTOSOMAL RECESSIVE, WITH RECURRENT INFECTIONS. Identifiers: Orphanet 217390, MedGen C4722305, MONDO:0009478, OMIM 243700.

Submission:

Labcorp Genetics (formerly Invitae), Labcorp
Classification: Uncertain significance for Combined immunodeficiency due to DOCK8 deficiency. Last evaluated: 2024-10-16. Review status: criteria provided, single submitter. Criteria: Invitae Variant Classification Sherloc (09022015). Collection method: clinical testing. Allele origin: germline.
Comment: This sequence change replaces proline, which is neutral and non-polar, with arginine, which is basic and polar, at codon 756 of the DOCK8 protein (p.Pro756Arg). This variant is not present in population databases (gnomAD no frequency). This variant has not been reported in the literature in individuals affected with DOCK8-related conditions. ClinVar contains an entry for this variant (Variation ID: 1367866). Invitae Evidence Modeling of protein sequence and biophysical properties (such as structural, functional, and spatial information, amino acid conservation, physicochemical variation, residue mobility, and thermodynamic stability) indicates that this missense variant is expected to disrupt DOCK8 protein function with a positive predictive value of 80%. In summary, the available evidence is currently insufficient to determine the role of this variant in disease. Therefore, it has been classified as a Variant of Uncertain Significance.